The following is an entry in ClinVar:

NM_015202.5(KATNIP):c.3844G>A (p.Glu1282Lys)

Gene: KATNIP (katanin interacting protein; plus strand). Cytogenetic location: 16p12.1.
Variant type: single nucleotide variant.
Coding change: c.3844G>A on transcript NM_015202.5 (MANE Select); coding-DNA position 3844, G replaced by A.
Protein change: p.Glu1282Lys; replaces glutamic acid 1282 with lysine.
Molecular consequence: missense variant.
Genome position (GRCh38, 1-based): chr16:27,766,343, G>A. VCF-style: chr16-27766343-G-A. GRCh37 (hg19) VCF-style: chr16-27777664-G-A.
Other names: short protein forms E1282K.
Identifiers: ClinVar variation 1910477 (VCV001910477.5), dbSNP rs2082123797, ClinGen allele CA395329847.

ClinVar aggregate classification (germline): Uncertain significance (1 of 4 stars; one submission).

Submission:

Labcorp Genetics (formerly Invitae), Labcorp
Classification: Uncertain significance. Last evaluated: 2022-07-19. Review status: criteria provided, single submitter. Criteria: Invitae Variant Classification Sherloc (09022015). Collection method: clinical testing. Allele origin: germline.
Comment: This sequence change replaces glutamic acid, which is acidic and polar, with lysine, which is basic and polar, at codon 1282 of the KIAA0556 protein (p.Glu1282Lys). This variant is not present in population databases (gnomAD no frequency). In summary, the available evidence is currently insufficient to determine the role of this variant in disease. Therefore, it has been classified as a Variant of Uncertain Significance. Algorithms developed to predict the effect of missense changes on protein structure and function are either unavailable or do not agree on the potential impact of this missense change (SIFT: "Tolerated"; PolyPhen-2: "Possibly Damaging"; Align-GVGD: "Class C0"). This variant has not been reported in the literature in individuals affected with KIAA0556-related conditions.